The following is an entry in ClinVar:

NM_152416.4(NDUFAF6):c.816+18dup

Gene: NDUFAF6 (NADH:ubiquinone oxidoreductase complex assembly factor 6; plus strand). Cytogenetic location: 8q22.1.
Variant type: Duplication.
Coding change: c.816+18dup on transcript NM_152416.4 (MANE Select); 18 bases into the intron after coding-DNA position 816, one base duplicated (T; older notation c.816+18dupT).
Molecular consequence: intron variant.
Genome position (GRCh38, 1-based): chr8:95,048,576, T duplicated; the last of 8 consecutive T bases (chr8:95,048,569-95,048,576); duplicating any one gives the same sequence. VCF-style (leftmost placement, unchanged base first): chr8-95048568-C-CT. GRCh37 (hg19) VCF-style: chr8-96060796-C-CT.
Other names: p.?; c.483+18dup (NM_001354534.2, NM_001354518.2, NM_001354519.2 and 1 more transcripts); c.540+18dup (NM_001354514.2, NM_001354515.2, NM_001330582.2 and 1 more transcripts); c.360+18dup (NM_001354525.2, NM_001354524.2, NM_001354522.2 and 7 more transcripts); c.660+18dup (NM_001354516.2).
Identifiers: ClinVar variation 214207 (VCV000214207.10), dbSNP rs780236169, ClinGen allele CA321084.
Genomic context (GRCh38, chr8:95,048,568, plus strand): 5'-AGAGATGTAATATATGACATTGCCAGTCAAGCACACTTGCACCTAAAGCATGTAAGTCGG[C>CT]TTTTTTTTGCCAAATCATTTAGGGAATAATCATTTCTAGATGTGGCTCTTCTTAGAACAT-3'

ClinVar aggregate classification (germline): Benign/Likely benign. Review status: criteria provided, multiple submitters, no conflicts (2 of 4 stars). 4 submissions from 4 submitters: Benign (3); Likely benign (1). Last evaluated 2026-01-19.

Submissions (4):

Labcorp Genetics (formerly Invitae), Labcorp
Classification: Benign. Last evaluated: 2026-01-19. Review status: criteria provided, single submitter. Criteria: Invitae Variant Classification Sherloc (09022015). Collection method: clinical testing. Allele origin: germline.

Mayo Clinic Laboratories, Mayo Clinic
Classification: Benign. Last evaluated: 2025-03-25. Review status: criteria provided, single submitter. Criteria: ACMG Guidelines, 2015. Collection method: clinical testing. Allele origin: germline. Observed: 9 variant alleles.
Comment: BA1, BP4, BP7

Blueprint Genetics
Classification: Likely benign. Last evaluated: 2024-11-21. Review status: criteria provided, single submitter. Criteria: ACMG Guidelines, 2015. Collection method: clinical testing. Allele origin: germline.

GeneDx
Classification: Benign. Last evaluated: 2014-05-06. Review status: criteria provided, single submitter. Criteria: GeneDx Variant Classification (06012015). Collection method: clinical testing. Allele origin: germline. Affected: yes.
Comment: The variant is found in MITONUC-MITOP,COMPI-MITOP panel(s).